The following is an entry in ClinVar:

NM_020461.4(TUBGCP6):c.2627C>T (p.Ala876Val)

Gene: TUBGCP6 (tubulin gamma complex component 6; minus strand). Cytogenetic location: 22q13.33.
Variant type: single nucleotide variant.
Coding change: c.2627C>T on transcript NM_020461.4 (MANE Select); coding-DNA position 2627, C replaced by T.
Protein change: p.Ala876Val; replaces alanine 876 with valine.
Molecular consequence: missense variant.
Genome position (GRCh38, 1-based): chr22:50,221,732, G>A on the plus strand (C>T on the coding strand, the complement: TUBGCP6 is on the minus strand). VCF-style: chr22-50221732-G-A. GRCh37 (hg19) VCF-style: chr22-50660161-G-A.
Other names: short protein forms A876V.
Identifiers: ClinVar variation 1486613 (VCV001486613.8), dbSNP rs1432166687, ClinGen allele CA412097031.

ClinVar aggregate classification (germline): Uncertain significance (1 of 4 stars; one submission).

gnomAD v4.1: 1 of 1,516,208 alleles (0.000066%); no homozygotes.

Submission:

Labcorp Genetics (formerly Invitae), Labcorp
Classification: Uncertain significance. Last evaluated: 2024-01-08. Review status: criteria provided, single submitter. Criteria: Invitae Variant Classification Sherloc (09022015). Collection method: clinical testing. Allele origin: germline.
Comment: This sequence change replaces alanine, which is neutral and non-polar, with valine, which is neutral and non-polar, at codon 876 of the TUBGCP6 protein (p.Ala876Val). This variant is not present in population databases (gnomAD no frequency). This variant has not been reported in the literature in individuals affected with TUBGCP6-related conditions. ClinVar contains an entry for this variant (Variation ID: 1486613). An algorithm developed to predict the effect of missense changes on protein structure and function (PolyPhen-2) suggests that this variant is likely to be tolerated. In summary, the available evidence is currently insufficient to determine the role of this variant in disease. Therefore, it has been classified as a Variant of Uncertain Significance.